The following is an entry in ClinVar:

NM_000784.4(CYP27A1):c.1530T>C (p.Ser510=)

Gene: CYP27A1 (cytochrome P450 family 27 subfamily A member 1; plus strand). Cytogenetic location: 2q35.
Variant type: single nucleotide variant.
Coding change: c.1530T>C on transcript NM_000784.4 (MANE Select); coding-DNA position 1530, T replaced by C.
Protein change: p.Ser510=; no amino-acid change (serine 510 retained).
Molecular consequence: synonymous variant.
Genome position (GRCh38, 1-based): chr2:218,814,964, T>C. VCF-style: chr2-218814964-T-C. GRCh37 (hg19) VCF-style: chr2-219679687-T-C.
Identifiers: ClinVar variation 3837800 (VCV003837800.2).
Genomic context (GRCh38, chr2:218,814,964, plus strand): 5'-CCCCCAGCTGATCCAGAAGTACAAGGTGGTCCTGGCCCCGGAGACGGGGGAGTTGAAGAG[T>C]GTGGCCCGCATTGTCCTGGTTCCCAATAAGAAAGTGGGCCTGCAGTTCCTGCAGAGACAG-3'
Protein context (NP_000775.1, residues 500-520): VLAPETGELK[Ser510=]VARIVLVPNK

ClinVar aggregate classification (germline): Likely benign. Review status: criteria provided, multiple submitters, no conflicts (2 of 4 stars). 2 submissions from 2 submitters: Likely benign (2). Last evaluated 2026-09-12.

Conditions:
CYP27A1-related disorder. Also called: CYP27A1-related condition.
Cardiovascular phenotype. Identifiers: MedGen CN230736.

Submissions (2):

PreventionGenetics, part of Exact Sciences
Classification: Likely benign for CYP27A1-related condition. Last evaluated: 2026-09-12. Review status: criteria provided, single submitter. Criteria: ACMG Guidelines, 2015. Collection method: clinical testing. Allele origin: germline.
Comment: This variant is classified as likely benign based on ACMG/AMP sequence variant interpretation guidelines (Richards et al. 2015 PMID: 25741868, with internal and published modifications).

Ambry Genetics
Classification: Likely benign for Cardiovascular phenotype. Last evaluated: 2025-02-22. Review status: criteria provided, single submitter. Criteria: Ambry Variant Classification Scheme 2023. Collection method: clinical testing. Allele origin: germline.